The following is an entry in ClinVar:

NM_000540.3(RYR1):c.13396C>G (p.Pro4466Ala)

Gene: RYR1 (ryanodine receptor 1; plus strand). Cytogenetic location: 19q13.2.
Variant type: single nucleotide variant.
Coding change: c.13396C>G on transcript NM_000540.3 (MANE Select); coding-DNA position 13396, C replaced by G.
Protein change: p.Pro4466Ala; replaces proline 4466 with alanine.
Molecular consequence: missense variant.
Genome position (GRCh38, 1-based): chr19:38,565,730, C>G. VCF-style: chr19-38565730-C-G. GRCh37 (hg19) VCF-style: chr19-39056370-C-G.
Other names: c.13381C>G, p.Pro4461Ala (NM_001042723.2); short protein forms P4461A, P4466A.
Identifiers: ClinVar variation 4530000 (VCV004530000.1).

ClinVar aggregate classification (germline): Uncertain significance (1 of 4 stars; one submission).

gnomAD v4.1: 2 of 1,432,806 alleles (0.00014%); highest among the groups gnomAD compares: Non-Finnish European, 0.00018%; no homozygotes.

Submission:

GeneDx
Classification: Uncertain significance. Last evaluated: 2025-05-14. Review status: criteria provided, single submitter. Criteria: GeneDx Variant Classification Process June 2021. Collection method: clinical testing. Allele origin: germline. Affected: yes.
Comment: Not observed at significant frequency in large population cohorts (gnomAD); In silico analysis supports that this missense variant has a deleterious effect on protein structure/function; Has not been previously published as pathogenic or benign to our knowledge